The following is an entry in ClinVar:

NM_182972.3(IRF2BP2):c.932C>T (p.Ala311Val)

Gene: IRF2BP2 (interferon regulatory factor 2 binding protein 2; minus strand). Cytogenetic location: 1q42.3.
Variant type: single nucleotide variant.
Coding change: c.932C>T on transcript NM_182972.3 (MANE Select); coding-DNA position 932, C replaced by T.
Protein change: p.Ala311Val; replaces alanine 311 with valine.
Molecular consequence: missense variant.
Genome position (GRCh38, 1-based): chr1:234,608,563, G>A on the plus strand (C>T on the coding strand, the complement: IRF2BP2 is on the minus strand). VCF-style: chr1-234608563-G-A. GRCh37 (hg19) VCF-style: chr1-234744309-G-A.
Other names: c.932C>T, p.Ala311Val (NM_001077397.1); short protein forms A311V.
Identifiers: ClinVar variation 4720194 (VCV004720194.1).

ClinVar aggregate classification (germline): Uncertain significance (1 of 4 stars; one submission).

Submission:

Labcorp Genetics (formerly Invitae), Labcorp
Classification: Uncertain significance. Last evaluated: 2025-05-25. Review status: criteria provided, single submitter. Criteria: Invitae Variant Classification Sherloc (09022015). Collection method: clinical testing. Allele origin: germline.
Comment: This sequence change replaces alanine, which is neutral and non-polar, with valine, which is neutral and non-polar, at codon 311 of the IRF2BP2 protein (p.Ala311Val). This variant is not present in population databases (gnomAD no frequency). This variant has not been reported in the literature in individuals affected with IRF2BP2-related conditions. An algorithm developed to predict the effect of missense changes on protein structure and function (PolyPhen-2) suggests that this variant is likely to be disruptive. In summary, the available evidence is currently insufficient to determine the role of this variant in disease. Therefore, it has been classified as a Variant of Uncertain Significance.